The following is an entry in ClinVar:

NM_000093.5(COL5A1):c.1197C>G (p.Asp399Glu)

Gene: COL5A1 (collagen type V alpha 1 chain; plus strand). Cytogenetic location: 9q34.3.
Variant type: single nucleotide variant.
Coding change: c.1197C>G on transcript NM_000093.5 (MANE Select); coding-DNA position 1197, C replaced by G.
Protein change: p.Asp399Glu; replaces aspartic acid 399 with glutamic acid.
Molecular consequence: missense variant.
Genome position (GRCh38, 1-based): chr9:134,731,528, C>G. VCF-style: chr9-134731528-C-G. GRCh37 (hg19) VCF-style: chr9-137623374-C-G.
Other names: c.1197C>G, p.Asp399Glu (NM_001278074.1); short protein forms D399E.
Identifiers: ClinVar variation 2813709 (VCV002813709.3), dbSNP rs1024770210, ClinGen allele CA201108760.
Genomic context (GRCh38, chr9:134,731,528, plus strand): 5'-AACCCTGCGCCTTCCTCTCCCTCTGCAGCCAGCTCCGCCTCCAGGGGAAGGTGCGGATGA[C>G]TTGGAGGGGGAGTTCACTGAGGAAACGATCCGGAACCTTGACGAGAACTACTACGACCCC-3'
Protein context (NP_000084.3, residues 389-409): PAPPPGEGAD[Asp399Glu]LEGEFTEETI

ClinVar aggregate classification (germline): Uncertain significance (1 of 4 stars; one submission).

Conditions:
Ehlers-Danlos syndrome, classic type, 1 (EDSCL1). Also called: EHLERS-DANLOS SYNDROME, GRAVIS TYPE; EHLERS-DANLOS SYNDROME, SEVERE CLASSIC TYPE; Ehlers-Danlos syndrome, type 1; Ehlers-Danlos Syndrome, Classic Type, COL5A1-Related; EDS I. Identifiers: MedGen C0268335, MONDO:0019567, OMIM 130000.

Submission:

Labcorp Genetics (formerly Invitae), Labcorp
Classification: Uncertain significance for Ehlers-Danlos syndrome, classic type, 1. Last evaluated: 2024-02-14. Review status: criteria provided, single submitter. Criteria: Invitae Variant Classification Sherloc (09022015). Collection method: clinical testing. Allele origin: germline.
Comment: This sequence change replaces aspartic acid, which is acidic and polar, with glutamic acid, which is acidic and polar, at codon 399 of the COL5A1 protein (p.Asp399Glu). This variant is not present in population databases (gnomAD no frequency). This variant has not been reported in the literature in individuals affected with COL5A1-related conditions. Advanced modeling of protein sequence and biophysical properties (such as structural, functional, and spatial information, amino acid conservation, physicochemical variation, residue mobility, and thermodynamic stability) performed at Invitae indicates that this missense variant is not expected to disrupt COL5A1 protein function with a negative predictive value of 95%. In summary, the available evidence is currently insufficient to determine the role of this variant in disease. Therefore, it has been classified as a Variant of Uncertain Significance.